The following is an entry in ClinVar:

ClinVar aggregate classification (germline): Likely pathogenic (1 of 4 stars; one submission).

Conditions:
Dilated cardiomyopathy 1G (CMD1G). Identifiers: Orphanet 154, MedGen C1858763, MONDO:0011400, OMIM 604145.
Autosomal recessive limb-girdle muscular dystrophy type 2J (LGMDR10). Also called: Limb-girdle muscular dystrophy, type 2J; MUSCULAR DYSTROPHY, LIMB-GIRDLE, AUTOSOMAL RECESSIVE 10. Identifiers: Orphanet 140922, MedGen C1837342, MONDO:0012127, OMIM 608807.

Submission:

Labcorp Genetics (formerly Invitae), Labcorp
Classification: Likely pathogenic for Dilated cardiomyopathy 1G; Autosomal recessive limb-girdle muscular dystrophy type 2J. Last evaluated: 2024-10-15. Review status: criteria provided, single submitter. Criteria: Invitae Variant Classification Sherloc (09022015). Collection method: clinical testing. Allele origin: germline.
Comment: This sequence change creates a premature translational stop signal (p.Arg27052Serfs*30) in the TTN gene. While this is not anticipated to result in nonsense mediated decay, it is expected to create a truncated TTN protein. This variant is not present in population databases (gnomAD no frequency). This variant has not been reported in the literature in individuals affected with TTN-related conditions. This variant is located in the A band of TTN (PMID: 25589632). Truncating variants in this region are significantly overrepresented in patients affected with dilated cardiomyopathy (PMID: 25589632). Truncating variants in this region have also been reported in individuals affected with autosomal recessive centronuclear myopathy (PMID: 23975875). In summary, the currently available evidence indicates that the variant is pathogenic, but additional data are needed to prove that conclusively. Therefore, this variant has been classified as Likely Pathogenic.

Literature cited by the submitters: PubMed 25589632; PubMed 23975875.

NM_001267550.2(TTN):c.81156del (p.Arg27052fs)

Genes: TTN-AS1 (TTN antisense RNA 1; plus strand), TTN (titin; minus strand). Cytogenetic location: 2q31.2.
Variant type: Deletion.
Coding change: c.81156del on transcript NM_001267550.2 (MANE Select); coding-DNA position 81156, one base deleted (G; older notation c.81156delG).
Protein change: p.Arg27052fs; shifts the reading frame from arginine 27052.
Molecular consequence: frameshift variant.
Genome position (GRCh38, 1-based): chr2:178,564,976, C deleted on the plus strand (G on the coding strand, the reverse complement: TTN is on the minus strand); the first of 2 consecutive C bases (chr2:178,564,976-178,564,977); deleting either gives the same sequence. VCF-style (leftmost placement, unchanged base first): chr2-178564975-AC-A. GRCh37 (hg19) VCF-style: chr2-179429702-AC-A.
Other names: c.76233del, p.Arg25411fs (NM_001256850.1); c.53961del, p.Arg17987fs (NM_003319.4); c.73452del, p.Arg24484fs (NM_133378.4); c.54336del, p.Arg18112fs (NM_133432.3); c.54537del, p.Arg18179fs (NM_133437.4); short protein forms R17987fs, R18112fs, R18179fs, R24484fs, R25411fs, R27052fs.
Identifiers: ClinVar variation 3759467 (VCV003759467.2).